The following is an entry in ClinVar:

ClinVar aggregate classification (germline): Benign. Review status: criteria provided, multiple submitters, no conflicts (2 of 4 stars). 8 submissions from 8 submitters: Benign (5). 3 of the submissions do not count toward it. Last evaluated 2026-02-04.

Conditions:
Charcot-Marie-Tooth disease axonal type 2O. Also called: CHARCOT-MARIE-TOOTH NEUROPATHY, AXONAL, TYPE 2O; CHARCOT-MARIE-TOOTH DISEASE, AXONAL, AUTOSOMAL DOMINANT, TYPE 2O; Charcot-Marie-Tooth Neuropathy Type 2O; Charcot-Marie-Tooth disease, axonal, type 20. Identifiers: Orphanet 284232, MedGen C3280220, MONDO:0013644, OMIM 614228.
Charcot-Marie-Tooth disease. Also called: Charcot-Marie-Tooth Hereditary Neuropathy; Charcot-Marie-Tooth Neuropathy. Identifiers: Orphanet 166, MedGen C0007959, MONDO:0015626.

Allele frequency attached by ClinVar (database versions not stated): 1000 Genomes Project 0.13898; 1000 Genomes Project 30x 0.14585; TOPMed 0.16200; ESP Exome Variant Server 0.16761.
gnomAD v4.1: 137,441 of 1,613,702 alleles (8.5%); highest among the groups gnomAD compares: African/African-American, 37%; 9,458 homozygotes.

Submissions (8):

Labcorp Genetics (formerly Invitae), Labcorp
Classification: Benign for Charcot-Marie-Tooth disease axonal type 2O. Last evaluated: 2026-02-04. Review status: criteria provided, single submitter. Criteria: Invitae Variant Classification Sherloc (09022015). Collection method: clinical testing. Allele origin: germline.

GeneDx
Classification: Benign. Last evaluated: 2013-12-30. Review status: criteria provided, single submitter. Criteria: GeneDx Variant Classification (06012015). Collection method: clinical testing. Allele origin: germline. Affected: yes.
Comment: This variant is considered likely benign or benign based on one or more of the following criteria: it is a conservative change, it occurs at a poorly conserved position in the protein, it is predicted to be benign by multiple in silico algorithms, and/or has population frequency not consistent with disease.

Breakthrough Genomics
Classification: Benign. Review status: criteria provided, single submitter. Criteria: ACMG Guidelines, 2015. Collection method: not provided. Allele origin: germline. Inheritance: Autosomal dominant inheritance. Affected: yes.

Molecular Genetics Laboratory, London Health Sciences Centre
Classification: Benign for Charcot-Marie-Tooth disease. Review status: criteria provided, single submitter. Criteria: ACMG Guidelines, 2015. Collection method: clinical testing. Allele origin: germline. Affected: yes.

PreventionGenetics, part of Exact Sciences
Classification: Benign. Review status: criteria provided, single submitter. Criteria: ACMG Guidelines, 2015. Collection method: clinical testing. Allele origin: germline.

Clinical Genetics DNA and cytogenetics Diagnostics Lab, Erasmus MC, Erasmus Medical Center
Classification: Benign. Review status: no assertion criteria provided. Collection method: clinical testing. Allele origin: germline. Affected: yes. Study: VKGL Data-share Consensus. Not counted in ClinVar's aggregate classification.

Clinical Genetics, Academic Medical Center
Classification: Benign. Review status: no assertion criteria provided. Collection method: clinical testing. Allele origin: germline. Affected: yes. Study: VKGL Data-share Consensus. Not counted in ClinVar's aggregate classification.

Joint Genome Diagnostic Labs from Nijmegen and Maastricht, Radboudumc and MUMC+
Classification: Benign. Review status: no assertion criteria provided. Collection method: clinical testing. Allele origin: germline. Affected: yes. Study: VKGL Data-share Consensus. Not counted in ClinVar's aggregate classification.

NM_001376.5(DYNC1H1):c.3015+18C>T

Gene: DYNC1H1 (dynein cytoplasmic 1 heavy chain 1; plus strand). Cytogenetic location: 14q32.31.
Variant type: single nucleotide variant.
Coding change: c.3015+18C>T on transcript NM_001376.5 (MANE Select); 18 bases into the intron after coding-DNA position 3015, C replaced by T.
Molecular consequence: intron variant.
Genome position (GRCh38, 1-based): chr14:101,991,691, C>T. VCF-style: chr14-101991691-C-T. GRCh37 (hg19) VCF-style: chr14-102458028-C-T.
Identifiers: ClinVar variation 137182 (VCV000137182.16), dbSNP rs2749894, ClinGen allele CA290692.